The following is an entry in ClinVar:

ClinVar aggregate classification (germline): Benign (1 of 4 stars; one submission).

Submission:

GeneDx
Classification: Benign. Last evaluated: 2018-06-16. Review status: criteria provided, single submitter. Criteria: GeneDx Variant Classification (06012015). Collection method: clinical testing. Allele origin: germline. Affected: yes.
Comment: This variant is considered likely benign or benign based on one or more of the following criteria: it is a conservative change, it occurs at a poorly conserved position in the protein, it is predicted to be benign by multiple in silico algorithms, and/or has population frequency not consistent with disease.

NM_005032.7(PLS3):c.1263-321dup

Gene: PLS3 (plastin 3; plus strand). Cytogenetic location: Xq23.
Variant type: Duplication.
Coding change: c.1263-321dup on transcript NM_005032.7 (MANE Select); 321 bases into the intron before coding-DNA position 1263, one base duplicated (A; older notation c.1263-321dupA).
Molecular consequence: intron variant.
Genome position (GRCh38, 1-based): chrX:115,645,751, A duplicated; the last of 3 consecutive A bases (chrX:115,645,749-115,645,751); duplicating any one gives the same sequence. VCF-style (leftmost placement, unchanged base first): chrX-115645748-C-CA. GRCh37 (hg19) VCF-style: chrX-114880068-C-CA.
Other names: c.1224-321dup (NM_001282337.2); c.1128-321dup (NM_001282338.2); c.1263-321dup (NM_001136025.5); c.1182-321dup (NM_001172335.3).
Identifiers: ClinVar variation 668769 (VCV000668769.1), dbSNP rs201026309, ClinGen allele CA334698739.